The following is an entry in ClinVar:

ClinVar aggregate classification (germline): Uncertain significance (1 of 4 stars; one submission).

Submission:

Labcorp Genetics (formerly Invitae), Labcorp
Classification: Uncertain significance. Last evaluated: 2022-09-06. Review status: criteria provided, single submitter. Criteria: Invitae Variant Classification Sherloc (09022015). Collection method: clinical testing. Allele origin: germline.
Comment: A copy number gain of the genomic region encompassing the full coding sequence of the IDH3B gene has been identified. The boundaries of this event are unknown as they extend beyond the assayed region for this gene and therefore may encompass additional genes. As the precise location of this event is unknown, it may be in tandem or it may be located elsewhere in the genome. This variant has not been reported in the literature in individuals affected with IDH3B-related conditions. In summary, the available evidence is currently insufficient to determine the role of this variant in disease. Therefore, it has been classified as a Variant of Uncertain Significance.

NC_000020.10:g.(?_2639397)_(2644834_?)dup

Gene: IDH3B (isocitrate dehydrogenase (NAD(+)) 3 non-catalytic subunit beta; minus strand). Cytogenetic location: 20p13.
Variant type: Duplication.
Identifiers: ClinVar variation 2425652 (VCV002425652.3).